The following is an entry in ClinVar:

ClinVar aggregate classification (germline): Uncertain significance (1 of 4 stars; one submission).

Conditions:
Saethre-Chotzen syndrome (SCS). Also called: ACROCEPHALY, SKULL ASYMMETRY, AND MILD SYNDACTYLY; ACS III; CHOTZEN SYNDROME. Identifiers: Orphanet 794, MedGen C0175699, MONDO:0007042, OMIM 101400.
LADD syndrome 1 (LADD1). Also called: Lacrimoauriculodentodigital syndrome 1. Identifiers: MedGen C5774323, MONDO:0100302, OMIM 149730.
Beare-Stevenson cutis gyrata syndrome (BSTVS). Identifiers: Orphanet 1555, MedGen C1852406, MONDO:0007412, OMIM 123790.
Crouzon syndrome. Also called: Craniofacial dysostosis; Craniofacial dysostosis type 1; Crouzon craniofacial dysostosis; Crouzon disease; CRANIOFACIAL DYSOSTOSIS, TYPE I. Identifiers: Orphanet 207, MedGen C0010273, MeSH D003394, MONDO:0007405, OMIM 123500, HP:0004439.
Acrocephalosyndactyly type I (ACS1). Also called: Acrocephalo-syndactyly type 1; ACS 1; Syndactylic oxycephaly; Apert syndrome. Identifiers: Orphanet 87, MedGen C0001193, MONDO:0007041, OMIM 101200.
Gastric cancer. Also called: Stomach cancer; Malignant tumor of stomach. Identifiers: MedGen C0024623, MeSH D013274, MONDO:0001056, OMIM 613659, HP:0012126.
Bent bone dysplasia syndrome 1 (BBDS1). Also called: FGFR2-related bent bone dysplasia. Identifiers: Orphanet 313855, MedGen C3281247, MONDO:0013815, OMIM 614592.
Familial scaphocephaly syndrome, McGillivray type. Also called: SCAPHOCEPHALY, MAXILLARY RETRUSION, AND IMPAIRED INTELLECTUAL DEVELOPMENT. Identifiers: Orphanet 168624, MedGen C1865070, MONDO:0012307, OMIM 609579.
Antley-Bixler syndrome without genital anomalies or disordered steroidogenesis (ABS2). Also called: MULTISYNOSTOTIC OSTEODYSGENESIS WITH LONG BONE FRACTURES; Trapezoidocephaly synostosis syndrome; Osteodysgenesis, multisynostotic with fractures; Antley-Bixler Syndrome, Autosomal Dominant. Identifiers: Orphanet 596008, Orphanet 83, MedGen C2936791, MONDO:0020667, OMIM 207410.
Pfeiffer syndrome (ACS5). Also called: ACS V. Identifiers: Orphanet 710, MedGen C0220658, MONDO:0007043, OMIM 101600.
Jackson-Weiss syndrome (JWS). Also called: CRANIOSYNOSTOSIS, MIDFACIAL HYPOPLASIA, AND FOOT ABNORMALITIES. Identifiers: Orphanet 1540, MedGen C0795998, MONDO:0007400, OMIM 123150. Disease mechanism: loss of function.

Allele frequency attached by ClinVar (database versions not stated): TOPMed below 0.00001.

Submission:

Juno Genomics, Hangzhou Juno Genomics, Inc
Classification: Uncertain significance for LADD syndrome 1; Familial scaphocephaly syndrome, McGillivray type; Antley-Bixler syndrome without genital anomalies or disordered steroidogenesis; Acrocephalosyndactyly type I; Beare-Stevenson cutis gyrata syndrome; Bent bone dysplasia syndrome 1; Pfeiffer syndrome; Crouzon syndrome; Gastric cancer; Jackson-Weiss syndrome; Saethre-Chotzen syndrome. Review status: criteria provided, single submitter. Criteria: ACMG Guidelines, 2015. Collection method: clinical testing. Allele origin: germline.
Comment: Absent from controls (or at extremely low frequency if recessive) in Genome Aggregation Database.;Missense variant in a gene that has a low rate of benign missense variation.;Multiple lines of computational evidence support a deleterious effect on the gene or gene product.

NM_000141.5(FGFR2):c.1642A>C (p.Ile548Leu)

Gene: FGFR2 (fibroblast growth factor receptor 2; minus strand). Cytogenetic location: 10q26.13.
Variant type: single nucleotide variant.
Coding change: c.1642A>C on transcript NM_000141.5 (MANE Select); coding-DNA position 1642, A replaced by C.
Protein change: p.Ile548Leu; replaces isoleucine 548 with leucine.
Molecular consequence: missense variant. On other transcripts: non-coding transcript variant (1).
Genome position (GRCh38, 1-based): chr10:121,498,525, T>G on the plus strand (A>C on the coding strand, the complement: FGFR2 is on the minus strand). VCF-style: chr10-121498525-T-G. GRCh37 (hg19) VCF-style: chr10-123258039-T-G.
Other names: c.1375A>C, p.Ile459Leu (NM_023029.3, NM_001144915.2); c.1645A>C, p.Ile549Leu (NM_001144913.1, NM_022970.4); c.1306A>C, p.Ile436Leu (NM_001144914.1); c.1297A>C, p.Ile433Leu (NM_001144916.2); c.1294A>C, p.Ile432Leu (NM_001144917.2); c.1291A>C, p.Ile431Leu (NM_001144918.2); c.1378A>C, p.Ile460Leu (NM_001144919.2); c.958A>C, p.Ile320Leu (NM_001320654.2); and 1 more; short protein forms I548L, I549L, I320L, I432L, I436L, I459L, I460L, I431L.
Identifiers: ClinVar variation 5007623 (VCV005007623.2), dbSNP rs1057519901.
Genomic context (GRCh38, chr10:121,498,525, plus strand): 5'-TGGGCGAATGCAGTTTTTCCTCCTACTCACCATCCTGTGTGCAGGCTCCAAGAAGATTTA[T>G]GATATTCTTGTGTTTCCCAATCATCTTCATCATCTCCATCTCTGACACCAGATCAGAAAG-3'
Protein context (NP_000132.3, residues 538-558): MKMIGKHKNI[Ile548Leu]NLLGACTQDG